The following is an entry in ClinVar:

NM_020821.3(VPS13C):c.10251A>G (p.Val3417=)

Gene: VPS13C (vacuolar protein sorting 13 homolog C; minus strand). Cytogenetic location: 15q22.2.
Variant type: single nucleotide variant.
Coding change: c.10251A>G on transcript NM_020821.3 (MANE Select); coding-DNA position 10251, A replaced by G.
Protein change: p.Val3417=; no amino-acid change (valine 3417 retained).
Molecular consequence: synonymous variant.
Genome position (GRCh38, 1-based): chr15:61,875,819, T>C on the plus strand (A>G on the coding strand, the complement: VPS13C is on the minus strand). VCF-style: chr15-61875819-T-C. GRCh37 (hg19) VCF-style: chr15-62168018-T-C.
Other names: c.10251A>G, p.Val3417= (NM_001018088.3); c.10122A>G, p.Val3374= (NM_017684.5, NM_018080.4).
Identifiers: ClinVar variation 3771773 (VCV003771773.13).
Genomic context (GRCh38, chr15:61,875,819, plus strand): 5'-AACTCCTTCAGACAGACCTCTAATTAATCCAAATGGGTTTCCAAGTACATCTAACCCCAA[T>C]ACAAGGACATACATCTGTTTCAAGAACTAAAAAAGAAAAAAAATTAAATTAAGTCCTTCA-3'
Protein context (NP_065872.1, residues 3407-3427): EQFLKQMYVL[Val3417=]LGLDVLGNPF

ClinVar aggregate classification (germline): Likely benign (1 of 4 stars; one submission).

Submission:

CeGaT Center for Human Genetics Tuebingen
Classification: Likely benign. Last evaluated: 2024-12-01. Review status: criteria provided, single submitter. Criteria: CeGaT Center For Human Genetics Tuebingen Variant Classification Criteria Version 2. Collection method: clinical testing. Allele origin: germline. Affected: yes. Observed: 1 variant allele.
Comment: VPS13C: PM2:Supporting, BP4, BP7